The following is an entry in ClinVar:

ClinVar aggregate classification (germline): Uncertain significance (1 of 4 stars; one submission).

Allele frequency attached by ClinVar (database versions not stated): gnomAD 0.00001; gnomAD exomes 0.00001; TOPMed below 0.00001.
gnomAD v4.1: 10 of 1,613,284 alleles (0.00062%); highest among the groups gnomAD compares: South Asian, 0.0077%; no homozygotes.

Submission:

Labcorp Genetics (formerly Invitae), Labcorp
Classification: Uncertain significance. Last evaluated: 2022-12-20. Review status: criteria provided, single submitter. Criteria: Invitae Variant Classification Sherloc (09022015). Collection method: clinical testing. Allele origin: germline.
Comment: This sequence change replaces proline, which is neutral and non-polar, with leucine, which is neutral and non-polar, at codon 110 of the PTH1R protein (p.Pro110Leu). In summary, the available evidence is currently insufficient to determine the role of this variant in disease. Therefore, it has been classified as a Variant of Uncertain Significance. Advanced modeling of protein sequence and biophysical properties (such as structural, functional, and spatial information, amino acid conservation, physicochemical variation, residue mobility, and thermodynamic stability) performed at Invitae indicates that this missense variant is not expected to disrupt PTH1R protein function. This variant has not been reported in the literature in individuals affected with PTH1R-related conditions. This variant is not present in population databases (gnomAD no frequency).

NM_000316.3(PTH1R):c.329C>T (p.Pro110Leu)

Genes: PTH1R (parathyroid hormone 1 receptor; plus strand), LOC129936652 (ATAC-STARR-seq lymphoblastoid silent region 14297; plus strand). Cytogenetic location: 3p21.31.
Variant type: single nucleotide variant.
Coding change: c.329C>T on transcript NM_000316.3 (MANE Select); coding-DNA position 329, C replaced by T.
Protein change: p.Pro110Leu; replaces proline 110 with leucine.
Molecular consequence: missense variant.
Genome position (GRCh38, 1-based): chr3:46,897,870, C>T. VCF-style: chr3-46897870-C-T. GRCh37 (hg19) VCF-style: chr3-46939360-C-T.
Other names: c.329C>T, p.Pro110Leu (NM_001184744.1); short protein forms P110L.
Identifiers: ClinVar variation 2884963 (VCV002884963.3), dbSNP rs2031845064, ClinGen allele CA352493984.